The following is an entry in ClinVar:

NM_005245.4(FAT1):c.8435G>T (p.Ser2812Ile)

Genes: FAT1 (FAT atypical cadherin 1; minus strand), LOC126807255 (BRD4-independent group 4 enhancer GRCh37_chr4:187538202-187539401; plus strand). Cytogenetic location: 4q35.2.
Variant type: single nucleotide variant.
Coding change: c.8435G>T on transcript NM_005245.4 (MANE Select); coding-DNA position 8435, G replaced by T.
Protein change: p.Ser2812Ile; replaces serine 2812 with isoleucine.
Molecular consequence: missense variant.
Genome position (GRCh38, 1-based): chr4:186,618,151, C>A on the plus strand (G>T on the coding strand, the complement: FAT1 is on the minus strand). VCF-style: chr4-186618151-C-A. GRCh37 (hg19) VCF-style: chr4-187539305-C-A.
Other names: short protein forms S2812I.
Identifiers: ClinVar variation 2098642 (VCV002098642.4), dbSNP rs2126491778, ClinGen allele CA358960776.
Genomic context (GRCh38, chr4:186,618,151, plus strand): 5'-CTGATCTGAATTACTCTACTTCCCCCTGGCAGGTTTTCAACAATGAATGCCTCATATGGA[C>A]TAGATTCAAAGACCGGGCTGTTGTCATTTGCATCTTTCACTTGGATACTAACATCTACAG-3'
Protein context (NP_005236.2, residues 2802-2822): ANDNSPVFES[Ser2812Ile]PYEAFIVENL

ClinVar aggregate classification (germline): Uncertain significance (1 of 4 stars; one submission).

Submission:

Labcorp Genetics (formerly Invitae), Labcorp
Classification: Uncertain significance. Last evaluated: 2022-08-09. Review status: criteria provided, single submitter. Criteria: Invitae Variant Classification Sherloc (09022015). Collection method: clinical testing. Allele origin: germline.
Comment: This sequence change replaces serine, which is neutral and polar, with isoleucine, which is neutral and non-polar, at codon 2812 of the FAT1 protein (p.Ser2812Ile). This variant is not present in population databases (gnomAD no frequency). This variant has not been reported in the literature in individuals affected with FAT1-related conditions. Algorithms developed to predict the effect of missense changes on protein structure and function are either unavailable or do not agree on the potential impact of this missense change (SIFT: "Deleterious"; PolyPhen-2: "Benign"; Align-GVGD: "Class C25"). In summary, the available evidence is currently insufficient to determine the role of this variant in disease. Therefore, it has been classified as a Variant of Uncertain Significance.